The following is an entry in ClinVar:

NM_000051.4(ATM):c.3689A>G (p.Asn1230Ser)

Gene: ATM (ATM serine/threonine kinase; plus strand). Cytogenetic location: 11q22.3.
Variant type: single nucleotide variant.
Coding change: c.3689A>G on transcript NM_000051.4 (MANE Select); coding-DNA position 3689, A replaced by G.
Protein change: p.Asn1230Ser; replaces asparagine 1230 with serine.
Molecular consequence: missense variant.
Genome position (GRCh38, 1-based): chr11:108,282,822, A>G. VCF-style: chr11-108282822-A-G. GRCh37 (hg19) VCF-style: chr11-108153549-A-G.
Other names: p.N1230S:AAC>AGC; c.3689A>G, p.Asn1230Ser (NM_001351834.2); short protein forms N1230S.
Identifiers: ClinVar variation 142043 (VCV000142043.61), dbSNP rs587782195, ClinGen allele CA294243.

ClinVar aggregate classification (germline): Conflicting classifications of pathogenicity. Review status: criteria provided, conflicting classifications (1 of 4 stars). 21 submissions from 20 submitters: Uncertain significance (16); Likely benign (3). 2 of the submissions do not count toward it. Last evaluated 2026-08-20.

Conditions:
ATM-related disorder. Also called: ATM-related disorders; ATM-related condition.
Hereditary cancer-predisposing syndrome. Also called: Tumor predisposition; Hereditary neoplastic syndrome; Hereditary Cancer Syndrome; Neoplastic Syndromes, Hereditary. Identifiers: Orphanet 140162, MedGen C0027672, MeSH D009386, MONDO:0015356.
Familial cancer of breast. Also called: Hereditary breast cancer; hereditary breast carcinoma; BREAST CANCER, FAMILIAL. Identifiers: Orphanet 227535, MedGen C0346153, MONDO:0016419, OMIM 114480. Disease mechanism: loss of function.
Ataxia-telangiectasia syndrome (AT). Also called: ATAXIA-TELANGIECTASIA, COMPLEMENTATION GROUP A; ATAXIA-TELANGIECTASIA, FRESNO VARIANT; Ataxia-telangiectasia; Ataxia-telangiectasia, complementation group D; AT, COMPLEMENTATION GROUP C; Ataxia-telangiectasia, complementation group E. Identifiers: Orphanet 100, MedGen C0004135, MONDO:0008840, OMIM 208900.
Malignant tumor of breast. Also called: Cancer breast; Malignant breast neoplasm. Identifiers: MedGen C0006142, MONDO:0007254. Disease mechanism: loss of function.

Allele frequency attached by ClinVar (database versions not stated): gnomAD exomes 0.00001 and 0.00003; gnomAD 0.00005 and 0.00006; TOPMed 0.00007.
gnomAD v4.1: 53 of 1,551,180 alleles (0.0034%); highest among the groups gnomAD compares: Non-Finnish European, 0.0044%; no homozygotes.

Submissions 1 to 13 of 21:

PreventionGenetics, part of Exact Sciences
Classification: Uncertain significance for ATM-related condition. Last evaluated: 2026-08-20. Review status: criteria provided, single submitter. Criteria: ACMG Guidelines, 2015. Collection method: clinical testing. Allele origin: germline.
Comment: The ATM c.3689A>G variant is predicted to result in the amino acid substitution p.Asn1230Ser. This variant has been reported in individuals with breast cancer (Table S5, Decker et al. 2017. PubMed ID: 28779002; Table S2, Hauke et al. 2018. PubMed ID: 29522266; Table S1, Gauvin et al. 2025. PubMed ID: 39907309). However, it has also been observed in unaffected controls (Breast Cancer Association Consortium et al. 2021. PubMed ID: 33471991). This variant is reported in 0.0031% of alleles in individuals of European (Non-Finnish) descent in gnomAD and has conflicting interpretations regarding its pathogenicity in ClinVar, ranging from likely benign to uncertain (Variation ID: 142043). Although we suspect that this variant may be benign, at this time, the clinical significance of this variant is uncertain due to the absence of conclusive functional and genetic evidence.

Labcorp Genetics (formerly Invitae), Labcorp
Classification: Uncertain significance for Ataxia-telangiectasia syndrome. Last evaluated: 2026-01-27. Review status: criteria provided, single submitter. Criteria: Invitae Variant Classification Sherloc (09022015). Collection method: clinical testing. Allele origin: germline.
Comment: This sequence change replaces asparagine, which is neutral and polar, with serine, which is neutral and polar, at codon 1230 of the ATM protein (p.Asn1230Ser). This variant is present in population databases (rs587782195, gnomAD 0.003%). This missense change has been observed in individual(s) with breast cancer (PMID: 29522266). ClinVar contains an entry for this variant (Variation ID: 142043). Invitae Evidence Modeling of protein sequence and biophysical properties (such as structural, functional, and spatial information, amino acid conservation, physicochemical variation, residue mobility, and thermodynamic stability) indicates that this missense variant is not expected to disrupt ATM protein function with a negative predictive value of 95%. In summary, the available evidence is currently insufficient to determine the role of this variant in disease. Therefore, it has been classified as a Variant of Uncertain Significance.

Women's Health and Genetics/Laboratory Corporation of America, LabCorp
Classification: Uncertain significance. Last evaluated: 2025-11-10. Review status: criteria provided, single submitter. Criteria: LabCorp Variant Classification Summary - May 2015. Collection method: clinical testing. Allele origin: germline.
Comment: Variant summary: ATM c.3689A>G (p.Asn1230Ser) results in a conservative amino acid change in the encoded protein sequence. Algorithms developed to predict the effect of missense changes on protein structure and function all suggest that this variant is likely to be tolerated. The variant allele was found at a frequency of 1.2e-05 in 249282 control chromosomes. The available data on variant occurrences in the general population are insufficient to allow any conclusion about variant significance. To our knowledge, no occurrence of c.3689A>G in individuals affected with ATM-related conditions and no experimental evidence demonstrating its impact on protein function have been reported. ClinVar contains an entry for this variant (Variation ID: 142043). Based on the evidence outlined above, the variant was classified as uncertain significance.

Institute for Biomarker Research, Medical Diagnostic Laboratories, L.L.C.
Classification: Uncertain significance for Hereditary cancer-predisposing syndrome. Last evaluated: 2025-05-29. Review status: criteria provided, single submitter. Criteria: ACMG Guidelines, 2015. Collection method: clinical testing. Allele origin: germline.
Comment: The missense variant NM_000051.4(ATM):c.3689A>G (p.Asn1230Ser) has not been reported previously as a pathogenic variant, to our knowledge. There is a small physicochemical difference between asparagine and serine, which is not likely to impact secondary protein structure as these residues share similar properties. The p.Asn1230Ser missense variant is predicted to be tolerated by both SIFT or PolyPhen2. The nucleotide c.3689 in ATM is not conserved according to a GERP++ and PhyloP analysis of 100 vertebrates. For these reasons, this variant has been classified as Uncertain Significance.

Athena Diagnostics
Classification: Uncertain significance. Last evaluated: 2025-05-20. Review status: criteria provided, single submitter. Criteria: Athena Diagnostics Criteria. Collection method: clinical testing. Allele origin: unknown.
Comment: Available data are insufficient to determine the clinical significance of the variant at this time. The frequency of this variant in the general population is uninformative in assessment of its pathogenicity. Polyphen and MutationTaster predict this amino acid change may be benign.

Quest Diagnostics Nichols Institute San Juan Capistrano
Classification: Uncertain significance. Last evaluated: 2025-05-20. Review status: criteria provided, single submitter. Criteria: Quest Diagnostics criteria. Collection method: clinical testing. Allele origin: unknown.
Comment: The ATM c.3689A>G (p.Asn1230Ser) variant has been reported in the published literature in individuals with breast cancer (PMID: 28779002 (2017), 29522266 (2018)), prostate cancer (PMID: 31616062 (2020)), and a personal and/or family history of cancer (PMID: 39907309 (2025)). In a large scale breast cancer association study, this variant has been observed in breast cancer cases and reportedly unaffected individuals (PMID: 33471991 (2021), see also LOVD). The frequency of this variant in the general population (Genome Aggregation Database) is uninformative in the assessment of its pathogenicity. Analysis of this variant using bioinformatics tools for the prediction of the effect of amino acid changes on protein structure and function yielded predictions that this variant is benign. Based on the available information, we are unable to determine the clinical significance of this variant.

Center for Genomic Medicine, Rigshospitalet, Copenhagen University Hospital
Classification: Uncertain significance. Last evaluated: 2025-03-04. Review status: criteria provided, single submitter. Criteria: ACMG Guidelines, 2015. Collection method: clinical testing. Allele origin: germline.

Color Diagnostics, LLC DBA Color Health
Classification: Likely benign for Hereditary cancer-predisposing syndrome. Last evaluated: 2024-09-19. Review status: criteria provided, single submitter. Criteria: ACMG Guidelines, 2015. Collection method: clinical testing. Allele origin: germline.

St. Jude Molecular Pathology, St. Jude Children's Research Hospital
Classification: Uncertain significance for Ataxia-telangiectasia syndrome. Last evaluated: 2024-09-16. Review status: criteria provided, single submitter. Criteria: St. Jude Assertion Criteria 2020. Collection method: clinical testing. Allele origin: germline.
Comment: The ATM c.3689A>G (p.Asn1230Ser) missense change has a maximum subpopulation frequency of 0.003% in gnomAD v2.1.1. The in silico tool REVEL predicts a benign effect on protein function, but to our knowledge this prediction has not been confirmed by functional studies. To our knowledge, this variant has not been reported in individuals with ataxia telangiectasia. In summary, the evidence currently available is insufficient to determine the clinical significance of this variant. It has therefore been classified as of uncertain significance.

Myriad Genetics, Inc.
Classification: Likely benign for Familial cancer of breast. Last evaluated: 2024-05-15. Review status: criteria provided, single submitter. Criteria: Myriad Autosomal Dominant, Autosomal Recessive and X-Linked Classification Criteria (2023). Collection method: clinical testing. Allele origin: unknown.
Comment: This variant is considered likely benign. This variant is strongly associated with less severe personal and family histories of cancer, typical for individuals without pathogenic variants in this gene [PMID: 25085752].

Baylor Genetics
Classification: Uncertain significance for Familial cancer of breast. Last evaluated: 2024-03-26. Review status: criteria provided, single submitter. Criteria: ACMG Guidelines, 2015. Collection method: clinical testing. Allele origin: unknown.

St. Jude Molecular Pathology, St. Jude Children's Research Hospital
Classification: Uncertain significance for Familial cancer of breast. Last evaluated: 2024-02-20. Review status: criteria provided, single submitter. Criteria: St. Jude Assertion Criteria 2020. Collection method: clinical testing. Allele origin: germline.
Comment: the same text as in the submission from St. Jude Molecular Pathology, St. Jude Children's Research Hospital above.

Fulgent Genetics
Classification: Uncertain significance for Familial cancer of breast; Ataxia-telangiectasia syndrome. Last evaluated: 2024-01-31. Review status: criteria provided, single submitter. Criteria: ACMG Guidelines, 2015. Collection method: clinical testing. Allele origin: germline.